The following is an entry in ClinVar:

ClinVar aggregate classification (germline): Uncertain significance. Review status: criteria provided, multiple submitters, no conflicts (2 of 4 stars). 2 submissions from 2 submitters: Uncertain significance (2). Last evaluated 2020-05-27.

Conditions:
Hereditary cancer-predisposing syndrome. Also called: Tumor predisposition; Hereditary Cancer Syndrome; Hereditary neoplastic syndrome; Neoplastic Syndromes, Hereditary. Identifiers: Orphanet 140162, MedGen C0027672, MeSH D009386, MONDO:0015356.
Familial adenomatous polyposis 1 (FAP1). Also called: FAMILIAL ADENOMATOUS POLYPOSIS 1, ATTENUATED; POLYPOSIS, ADENOMATOUS INTESTINAL. Identifiers: MedGen C2713442, MONDO:0021056, OMIM 175100. Disease mechanism: loss of function.

Submissions (2):

Labcorp Genetics (formerly Invitae), Labcorp
Classification: Uncertain significance for Familial adenomatous polyposis 1. Last evaluated: 2020-05-27. Review status: criteria provided, single submitter. Criteria: Invitae Variant Classification Sherloc (09022015). Collection method: clinical testing. Allele origin: germline.
Comment: In summary, the available evidence is currently insufficient to determine the role of this variant in disease. Therefore, it has been classified as a Variant of Uncertain Significance. This variant is not present in population databases (ExAC no frequency). Algorithms developed to predict the effect of missense changes on protein structure and function do not agree on the potential impact of this missense change (SIFT: "Tolerated"; PolyPhen-2: "Probably Damaging"; Align-GVGD: "Class C0"). This variant has not been reported in the literature in individuals with APC-related disease. This sequence change replaces lysine with arginine at codon 2202 of the APC protein (p.Lys2202Arg). The lysine residue is highly conserved and there is a small physicochemical difference between lysine and arginine.

Ambry Genetics
Classification: Uncertain significance for Hereditary cancer-predisposing syndrome. Last evaluated: 2019-01-15. Review status: criteria provided, single submitter. Criteria: Ambry Variant Classification Scheme 2023. Collection method: clinical testing. Allele origin: germline.
Comment: The p.K2202R variant (also known as c.6605A>G), located in coding exon 15 of the APC gene, results from an A to G substitution at nucleotide position 6605. The lysine at codon 2202 is replaced by arginine, an amino acid with highly similar properties. This amino acid position is highly conserved in available vertebrate species. In addition, in silico predictors for this gene do not accurately predict pathogenicity. Since supporting evidence is limited at this time, the clinical significance of this alteration remains unclear.

NM_000038.6(APC):c.6605A>G (p.Lys2202Arg)

Gene: APC (APC regulator of Wnt signaling pathway; plus strand). Cytogenetic location: 5q22.2.
Variant type: single nucleotide variant.
Coding change: c.6605A>G on transcript NM_000038.6 (MANE Select); coding-DNA position 6605, A replaced by G.
Protein change: p.Lys2202Arg; replaces lysine 2202 with arginine.
Molecular consequence: missense variant.
Genome position (GRCh38, 1-based): chr5:112,842,199, A>G. VCF-style: chr5-112842199-A-G. GRCh37 (hg19) VCF-style: chr5-112177896-A-G.
Other names: c.6605A>G, p.Lys2202Arg (NM_001127510.3, NM_001354895.2); c.6551A>G, p.Lys2184Arg (NM_001127511.3); c.6659A>G, p.Lys2220Arg (NM_001354896.2); c.6635A>G, p.Lys2212Arg (NM_001354897.2); c.6530A>G, p.Lys2177Arg (NM_001354898.2); c.6521A>G, p.Lys2174Arg (NM_001354899.2); c.6482A>G, p.Lys2161Arg (NM_001354900.2); c.6428A>G, p.Lys2143Arg (NM_001354901.2); and 5 more; short protein forms K2184R, K2202R, K1919R, K2042R, K2143R, K2111R, K2212R, K2161R.
Identifiers: ClinVar variation 537493 (VCV000537493.16), dbSNP rs1554087564, ClinGen allele CA16035784.